The following is an entry in ClinVar:

ClinVar aggregate classification (germline): Pathogenic (1 of 4 stars; one submission).

Conditions:
Ehlers-Danlos syndrome, kyphoscoliotic type 1 (EDSKSCL1). Also called: EHLERS-DANLOS SYNDROME, TYPE VIA; Ehlers-Danlos syndrome, hydroxylysine-deficient; EHLERS-DANLOS SYNDROME, OCULAR-SCOLIOTIC TYPE; PLOD1-Related Kyphoscoliotic Ehlers-Danlos Syndrome. Identifiers: Orphanet 1900, MedGen C0268342, MONDO:0016002, OMIM 225400. Disease mechanism: loss of function.

Submission:

Labcorp Genetics (formerly Invitae), Labcorp
Classification: Pathogenic for Ehlers-Danlos syndrome, kyphoscoliotic type 1. Last evaluated: 2024-09-15. Review status: criteria provided, single submitter. Criteria: Invitae Variant Classification Sherloc (09022015). Collection method: clinical testing. Allele origin: germline.
Comment: This sequence change creates a premature translational stop signal (p.Tyr434*) in the PLOD1 gene. It is expected to result in an absent or disrupted protein product. Loss-of-function variants in PLOD1 are known to be pathogenic (PMID: 10874315, 21699693). This variant is present in population databases (rs759448456, gnomAD 0.006%). This variant has not been reported in the literature in individuals affected with PLOD1-related conditions. For these reasons, this variant has been classified as Pathogenic.

Literature cited by the submitters: PubMed 10874315; PubMed 21699693.

NM_000302.4(PLOD1):c.1302C>A (p.Tyr434Ter)

Gene: PLOD1 (procollagen-lysine,2-oxoglutarate 5-dioxygenase 1; plus strand). Cytogenetic location: 1p36.22.
Variant type: single nucleotide variant.
Coding change: c.1302C>A on transcript NM_000302.4 (MANE Select); coding-DNA position 1302, C replaced by A.
Protein change: p.Tyr434Ter; replaces tyrosine 434 with a stop codon.
Molecular consequence: nonsense.
Genome position (GRCh38, 1-based): chr1:11,964,274, C>A. VCF-style: chr1-11964274-C-A. GRCh37 (hg19) VCF-style: chr1-12024331-C-A.
Other names: c.1443C>A, p.Tyr481Ter (NM_001316320.2); short protein forms Y434*, Y481*.
Identifiers: ClinVar variation 3674925 (VCV003674925.2).
Genomic context (GRCh38, chr1:11,964,274, plus strand): 5'-GTGGTCGAACTTCTGGGGGGCTCTCAGTGCAGATGGCTACTATGCCCGTTCCGAGGACTA[C>A]GTGGACATTGTGCAGGGGCGGCGTGTGTGAGTACCTGCAGGGTGGGGGTGGGTGGGGGAC-3'